The following is an entry in ClinVar:

NM_001164508.2(NEB):c.8237C>T (p.Ala2746Val)

Gene: NEB (nebulin; minus strand). Cytogenetic location: 2q23.3.
Variant type: single nucleotide variant.
Coding change: c.8237C>T on transcript NM_001164508.2 (MANE Select); coding-DNA position 8237, C replaced by T.
Protein change: p.Ala2746Val; replaces alanine 2746 with valine.
Molecular consequence: missense variant.
Genome position (GRCh38, 1-based): chr2:151,642,793, G>A on the plus strand (C>T on the coding strand, the complement: NEB is on the minus strand). VCF-style: chr2-151642793-G-A. GRCh37 (hg19) VCF-style: chr2-152499307-G-A.
Other names: c.8237C>T, p.Ala2746Val (NM_001164507.2, NM_001271208.2, NM_004543.5); short protein forms A2746V.
Identifiers: ClinVar variation 3692242 (VCV003692242.2).
Genomic context (GRCh38, chr2:151,642,793, plus strand): 5'-AATGTATCACGCACTATGAATATATTACTTACCTCACTGTAATTTACTTTGTTTTGTTTA[G>A]CTAATAAAACTTCAGGGGTATCTGGCATAATGTGGACAGTGGTTTTATCTTTATCCCAAG-3'
Protein context (NP_001157980.2, residues 2736-2756): IMPDTPEVLL[Ala2746Val]KQNKVNYSEK

ClinVar aggregate classification (germline): Uncertain significance (1 of 4 stars; one submission).

Conditions:
Nemaline myopathy 2 (NEM2). Also called: Nemaline myopathy 2, autosomal recessive. Identifiers: MedGen C1850569, MONDO:0009725, OMIM 256030.

Submission:

Labcorp Genetics (formerly Invitae), Labcorp
Classification: Uncertain significance for Nemaline myopathy 2. Last evaluated: 2024-11-28. Review status: criteria provided, single submitter. Criteria: Invitae Variant Classification Sherloc (09022015). Collection method: clinical testing. Allele origin: germline.
Comment: This sequence change replaces alanine, which is neutral and non-polar, with valine, which is neutral and non-polar, at codon 2746 of the NEB protein (p.Ala2746Val). This variant is present in population databases (no rsID available, gnomAD no frequency). This variant has not been reported in the literature in individuals affected with NEB-related conditions. Experimental studies and prediction algorithms are not available or were not evaluated, and the functional significance of this variant is currently unknown. In summary, the available evidence is currently insufficient to determine the role of this variant in disease. Therefore, it has been classified as a Variant of Uncertain Significance.